The following is an entry in ClinVar:

ClinVar aggregate classification (germline): Uncertain significance. Review status: criteria provided, multiple submitters, no conflicts (2 of 4 stars). 2 submissions from 2 submitters: Uncertain significance (2). Last evaluated 2022-05-30.

Conditions:
Neuromuscular disease caused by qualitative or quantitative defects of dysferlin. Also called: Qualitative or quantitative defects of dysferlin; Dysferlinopathy. Identifiers: Orphanet 207073, MedGen C2931687, MONDO:0016145.

Allele frequency attached by ClinVar (database versions not stated): gnomAD exomes below 0.00001 and 0.00002; gnomAD 0.00001; ExAC 0.00002; 1000 Genomes Project 30x 0.00031; 1000 Genomes Project 0.00040.
gnomAD v4.1: 8 of 1,614,192 alleles (0.0005%); highest among the groups gnomAD compares: South Asian, 0.0088%; no homozygotes.

Submissions (2):

Labcorp Genetics (formerly Invitae), Labcorp
Classification: Uncertain significance for Neuromuscular disease caused by qualitative or quantitative defects of dysferlin. Last evaluated: 2022-05-30. Review status: criteria provided, single submitter. Criteria: Invitae Variant Classification Sherloc (09022015). Collection method: clinical testing. Allele origin: germline.
Comment: This sequence change replaces aspartic acid, which is acidic and polar, with asparagine, which is neutral and polar, at codon 215 of the DYSF protein (p.Asp215Asn). This variant is present in population databases (rs529238728, gnomAD 0.02%). This variant has not been reported in the literature in individuals affected with DYSF-related conditions. ClinVar contains an entry for this variant (Variation ID: 1309109). Advanced modeling of protein sequence and biophysical properties (such as structural, functional, and spatial information, amino acid conservation, physicochemical variation, residue mobility, and thermodynamic stability) performed at Invitae indicates that this missense variant is not expected to disrupt DYSF protein function. In summary, the available evidence is currently insufficient to determine the role of this variant in disease. Therefore, it has been classified as a Variant of Uncertain Significance.

GeneDx
Classification: Uncertain significance. Last evaluated: 2019-10-14. Review status: criteria provided, single submitter. Criteria: GeneDx Variant Classification Process June 2021. Collection method: clinical testing. Allele origin: germline. Affected: yes.
Comment: Not observed at a significant frequency in large population cohorts (Lek et al., 2016); In silico analysis, which includes protein predictors and evolutionary conservation, supports that this variant does not alter protein structure/function; Has not been previously published as pathogenic or benign to our knowledge

NM_001130987.2(DYSF):c.739G>A (p.Asp247Asn)

Gene: DYSF (dysferlin; plus strand). Cytogenetic location: 2p13.2.
Variant type: single nucleotide variant.
Coding change: c.739G>A on transcript NM_001130987.2 (MANE Select); coding-DNA position 739, G replaced by A.
Protein change: p.Asp247Asn; replaces aspartic acid 247 with asparagine.
Molecular consequence: missense variant.
Genome position (GRCh38, 1-based): chr2:71,513,901, G>A. VCF-style: chr2-71513901-G-A. GRCh37 (hg19) VCF-style: chr2-71741031-G-A.
Other names: c.646G>A, p.Asp216Asn (NM_001130455.2, NM_001130983.2, NM_001130984.2 and 1 more transcripts); c.643G>A, p.Asp215Asn (NM_001130976.2, NM_001130977.2, NM_001130978.2 and 1 more transcripts); c.736G>A, p.Asp246Asn (NM_001130979.2, NM_001130980.2, NM_001130981.2); c.739G>A, p.Asp247Asn (NM_001130982.2, NM_001130985.2); short protein forms D215N, D216N, D246N, D247N.
Identifiers: ClinVar variation 1309109 (VCV001309109.3), dbSNP rs529238728, ClinGen allele CA1705434.